The following is an entry in ClinVar:

ClinVar aggregate classification (germline): Uncertain significance (1 of 4 stars; one submission).

Conditions:
Isolated microphthalmia 5. Also called: Posterior Microphthalmia with Retinitis Pigmentosa, Foveoschisis, and Optic Disc Drusen. Identifiers: Orphanet 251279, MedGen C1970236, MONDO:0012605, OMIM 611040.

Allele frequency attached by ClinVar (database versions not stated): TOPMed below 0.00001.

Submission:

Labcorp Genetics (formerly Invitae), Labcorp
Classification: Uncertain significance for Isolated microphthalmia 5. Last evaluated: 2022-07-18. Review status: criteria provided, single submitter. Criteria: Invitae Variant Classification Sherloc (09022015). Collection method: clinical testing. Allele origin: germline.
Comment: This sequence change replaces valine, which is neutral and non-polar, with glycine, which is neutral and non-polar, at codon 176 of the MFRP protein (p.Val176Gly). This variant is not present in population databases (gnomAD no frequency). This variant has not been reported in the literature in individuals affected with MFRP-related conditions. Algorithms developed to predict the effect of missense changes on protein structure and function are either unavailable or do not agree on the potential impact of this missense change (SIFT: "Deleterious"; PolyPhen-2: "Probably Damaging"; Align-GVGD: "Class C0"). Algorithms developed to predict the effect of sequence changes on RNA splicing suggest that this variant may disrupt the consensus splice site. In summary, the available evidence is currently insufficient to determine the role of this variant in disease. Therefore, it has been classified as a Variant of Uncertain Significance.

NM_031433.4(MFRP):c.527T>G (p.Val176Gly)

Genes: C1QTNF5 (C1q and TNF related 5; minus strand), MFRP (membrane frizzled-related protein; minus strand). Cytogenetic location: 11q23.3.
Variant type: single nucleotide variant.
Coding change: c.527T>G on transcript NM_031433.4 (MANE Select); coding-DNA position 527, T replaced by G.
Protein change: p.Val176Gly; replaces valine 176 with glycine.
Molecular consequence: missense variant. On other transcripts: 5 prime UTR variant (1).
Genome position (GRCh38, 1-based): chr11:119,345,534, A>C on the plus strand (T>G on the coding strand, the complement: MFRP is on the minus strand). VCF-style: chr11-119345534-A-C. GRCh37 (hg19) VCF-style: chr11-119216244-A-C.
Other names: c.-2110T>G (NM_015645.5); short protein forms V176G.
Identifiers: ClinVar variation 1974365 (VCV001974365.5), dbSNP rs1012256469, ClinGen allele CA229677999.
Genomic context (GRCh38, chr11:119,345,534, plus strand): 5'-GAGGCCACACTCTCTATGCTGAGGGCTTCGATCTTGAGCTGTATTGCATGGTCTGTGGCC[A>C]CCTGGATATGCCACACGCAGTGGGTGTTGGGGGGGTAAGGGTCTGGGTAGTTAGGGCTGC-3'
Protein context (NP_113621.1, residues 166-186): PNTHCVWHIQ[Val176Gly]ATDHAIQLKI